The following is an entry in ClinVar:

NM_003482.4(KMT2D):c.15461G>A (p.Arg5154Gln)

Gene: KMT2D (lysine methyltransferase 2D; minus strand). Cytogenetic location: 12q13.12.
Variant type: single nucleotide variant.
Coding change: c.15461G>A on transcript NM_003482.4 (MANE Select); coding-DNA position 15461, G replaced by A.
Protein change: p.Arg5154Gln; replaces arginine 5154 with glutamine.
Molecular consequence: missense variant.
Genome position (GRCh38, 1-based): chr12:49,026,505, C>T on the plus strand (G>A on the coding strand, the complement: KMT2D is on the minus strand). VCF-style: chr12-49026505-C-T. GRCh37 (hg19) VCF-style: chr12-49420288-C-T.
Other names: short protein forms R5154Q.
Identifiers: ClinVar variation 286834 (VCV000286834.22), dbSNP rs886043497, ClinGen allele CA10605587.

ClinVar aggregate classification (germline): Pathogenic/Likely pathogenic. Review status: criteria provided, multiple submitters, no conflicts (2 of 4 stars). 10 submissions from 10 submitters: Pathogenic (7); Likely pathogenic (1). 2 of the submissions do not count toward it. Last evaluated 2025-01-21.

Conditions:
KMT2D-related disorder. Also called: KMT2D-Related Disorders.
Kabuki syndrome 1 (KABUK1). Also called: KMT2D-Related Kabuki Syndrome. Identifiers: Orphanet 2322, MedGen CN030661, MONDO:0007843, OMIM 147920.
Kabuki syndrome. Also called: NIIKAWA-KUROKI SYNDROME; Kabuki make-up syndrome. Identifiers: Orphanet 2322, MedGen C0796004, MONDO:0016512.

Submissions (11):

Victorian Clinical Genetics Services, Murdoch Childrens Research Institute
Classification: Pathogenic for Kabuki syndrome 1. Last evaluated: 2025-01-21. Review status: criteria provided, single submitter. Criteria: ACMG Guidelines, 2015. Collection method: clinical testing. Allele origin: germline. Affected: yes.
Comment: This variant is classified as Pathogenic. Evidence in support of pathogenic classification: Variant is absent from gnomAD (v2, v3 and v4); This variant has strong previous evidence of pathogenicity in unrelated individuals. This variant has been classified as likely pathogenic/pathogenic by clinical laboratories in ClinVar; Missense variant predicted to be damaging by in silico tool(s) or highly conserved with a major amino acid change; Additional information: Variant is predicted to result in a missense amino acid change from arginine to glutamine; This variant is heterozygous; This gene is associated with autosomal dominant disease; Variant is located in the annotated PHD-zinc-finger like domain (DECIPHER); Loss of function is a known mechanism of disease in this gene and is associated with Kabuki syndrome 1 (MIM#147920) and branchial arch abnormalities, choanal atresia, athelia, hearing loss, and hypothyroidism syndrome (MIM#620186); Variants in this gene are known to have variable expressivity (PMIDs: 21882399, 31949313).

Labcorp Genetics (formerly Invitae), Labcorp
Classification: Pathogenic for Kabuki syndrome. Last evaluated: 2024-08-04. Review status: criteria provided, single submitter. Criteria: Invitae Variant Classification Sherloc (09022015). Collection method: clinical testing. Allele origin: germline.
Comment: This sequence change replaces arginine, which is basic and polar, with glutamine, which is neutral and polar, at codon 5154 of the KMT2D protein (p.Arg5154Gln). This variant is not present in population databases (gnomAD no frequency). This missense change has been observed in individual(s) with Kabuki syndrome (PMID: 21607748, 23913813, 25755104, 27302555, 28884922). In at least one individual the variant was observed to be de novo. ClinVar contains an entry for this variant (Variation ID: 286834). Advanced modeling of protein sequence and biophysical properties (such as structural, functional, and spatial information, amino acid conservation, physicochemical variation, residue mobility, and thermodynamic stability) has been performed at Invitae for this missense variant, however the output from this modeling did not meet the statistical confidence thresholds required to predict the impact of this variant on KMT2D protein function. Algorithms developed to predict the effect of sequence changes on RNA splicing suggest that this variant may create or strengthen a splice site. For these reasons, this variant has been classified as Pathogenic.

3billion
Classification: Pathogenic for Kabuki syndrome 1. Last evaluated: 2024-01-09. Review status: criteria provided, single submitter. Criteria: ACMG Guidelines, 2015. Collection method: clinical testing. Allele origin: germline. Affected: yes.
Comment: The variant is not observed in the gnomAD v2.1.1 dataset. Predicted Consequence/Location: The majority of the known disease-causing variants of this gene are variants expected to result in premature termination of the protein. In silico tool predictions suggest damaging effect of the variant on gene or gene product [REVEL: 0.80 (>=0.6, sensitivity 0.68 and specificity 0.92); 3Cnet: 0.87 (>=0.6, sensitivity 0.72 and precision 0.9)]. Same nucleotide change resulting in same amino acid change has been previously reported as pathogenic/likely pathogenic with strong evidence (ClinVar ID: VCV000286834 /PMID: 21607748). The variant has been observed in at least two similarly affected unrelated individuals (PMID: 27302555). The variant has been previously reported as assumed (i.e. paternity and maternity not confirmed) de novo in at least one similarly affected unrelated individual (PMID: 27302555). A different missense change at the same codon (p.Arg5154Trp) has been reported to be associated with KMT2D-related disorder (ClinVar ID: VCV002579159). Therefore, this variant is classified as Pathogenic according to the recommendation of ACMG/AMP guideline.

GeneDx
Classification: Pathogenic. Last evaluated: 2021-12-14. Review status: criteria provided, single submitter. Criteria: GeneDx Variant Classification Process June 2021. Collection method: clinical testing. Allele origin: germline. Affected: yes.
Comment: Not observed in large population cohorts (Lek et al., 2016); In silico analysis, which includes protein predictors and evolutionary conservation, supports a deleterious effect; This variant is associated with the following publications: (PMID: 21607748, 27302555, 28991257, 32368696, 30459467)

Blueprint Genetics
Classification: Pathogenic for KMT2D-related disorders. Last evaluated: 2019-08-21. Review status: criteria provided, single submitter. Criteria: ACMG Guidelines, 2015. Collection method: clinical testing. Allele origin: germline. Affected: yes. Observed: 1 variant allele.

Cytogénomique, Hospices Civils de Lyon
Classification: Pathogenic for Kabuki syndrome 1. Last evaluated: 2018-04-10. Review status: criteria provided, single submitter. Criteria: ACMG Guidelines, 2015. Collection method: clinical testing. Allele origin: de novo. Inheritance: Autosomal dominant inheritance. Affected: yes.

Eurofins Ntd Llc (ga)
Classification: Likely pathogenic. Last evaluated: 2016-12-06. Review status: criteria provided, single submitter. Criteria: EGL Classification Definitions 2015. Collection method: clinical testing. Allele origin: germline. Observed: 1 variant allele, 1 heterozygote.

Center for Human Genetics, Inc
Classification: Pathogenic for Kabuki syndrome 1. Last evaluated: 2016-11-01. Review status: criteria provided, single submitter. Criteria: ACMG Guidelines, 2015. Collection method: clinical testing. Allele origin: germline. Affected: yes.

PreventionGenetics, part of Exact Sciences
Classification: Pathogenic for KMT2D-related condition. Last evaluated: 2024-07-10. Review status: no assertion criteria provided. Collection method: clinical testing. Allele origin: germline. Not counted in ClinVar's aggregate classification.
Comment: The KMT2D c.15461G>A variant is predicted to result in the amino acid substitution p.Arg5154Gln. This variant has been reported in individuals with Kabuki syndrome as a de novo variant and in other cases, family studies were not completed to determine inheritance of the variant (Li et al. 2011. PubMed ID: 21607748; Miyake et al. 2013. PubMed ID: 23913813; Bögershausen et al. 2016. PubMed ID: 27302555; Digilio et al. 2017. PubMed ID: 28884922). This variant has not been reported in a large population database, indicating this variant is rare. This variant is interpreted as pathogenic.

Autoinflammatory diseases unit, CHU de Montpellier
Classification: Pathogenic for Kabuki syndrome 1. Last evaluated: 2013-02-06. Review status: no assertion criteria provided. Collection method: clinical testing. Allele origin: de novo. Affected: yes. Observed: 2 variant alleles. Not counted in ClinVar's aggregate classification.

Dr. Peter K. Rogan Lab, Western University
No classification provided (evidence only). Condition: Melanoma. Review status: no classification provided. Collection method: in vitro. Allele origin: not applicable. Functional consequence: retained intron. Not counted in ClinVar's aggregate classification.

Literature cited by the submitters: PubMed 21882399 (cited by Victorian Clinical Genetics Services, Murdoch Childrens Research Institute); PubMed 31949313 (cited by Victorian Clinical Genetics Services, Murdoch Childrens Research Institute); PubMed 21607748 (cited by Labcorp Genetics (formerly Invitae), Labcorp and 3billion); PubMed 23913813 (cited by Labcorp Genetics (formerly Invitae), Labcorp); PubMed 25755104 (cited by Labcorp Genetics (formerly Invitae), Labcorp); PubMed 27302555 (cited by Labcorp Genetics (formerly Invitae), Labcorp and 3billion); PubMed 28884922 (cited by Labcorp Genetics (formerly Invitae), Labcorp).